The following is an entry in ClinVar:

NM_018368.4(LMBRD1):c.562C>T (p.His188Tyr)

Gene: LMBRD1 (LMBR1 domain containing 1; minus strand). Cytogenetic location: 6q13.
Variant type: single nucleotide variant.
Coding change: c.562C>T on transcript NM_018368.4 (MANE Select); coding-DNA position 562, C replaced by T.
Protein change: p.His188Tyr; replaces histidine 188 with tyrosine.
Molecular consequence: missense variant.
Genome position (GRCh38, 1-based): chr6:69,741,789, G>A on the plus strand (C>T on the coding strand, the complement: LMBRD1 is on the minus strand). VCF-style: chr6-69741789-G-A. GRCh37 (hg19) VCF-style: chr6-70451681-G-A.
Other names: c.343C>T, p.His115Tyr (NM_001363722.2, NM_001367271.1, NM_001367272.1); short protein forms H188Y, H115Y.
Identifiers: ClinVar variation 863432 (VCV000863432.14), dbSNP rs554554993, ClinGen allele CA3879866.
Genomic context (GRCh38, chr6:69,741,789, plus strand): 5'-AAAAGTCCAAAGTATCAGGAAATATAAACTACTATGTTTTTTAAAAAAAACAATACTTAC[G>A]ACTACTTCCAAGTTCTTCAAATAGGGACTTCACTTTTTCCCACTCTGTAGAATTTTTGTT-3'
Protein context (NP_060838.3, residues 178-198): KSLFEELGSS[His188Tyr]GLAALSFSIS

ClinVar aggregate classification (germline): Uncertain significance. Review status: criteria provided, multiple submitters, no conflicts (2 of 4 stars). 5 submissions from 5 submitters: Uncertain significance (5). Last evaluated 2024-05-22.

Conditions:
Methylmalonic aciduria and homocystinuria type cblF. Also called: METHYLMALONIC ACIDEMIA AND HOMOCYSTINURIA, cblF TYPE; METHYLMALONIC ACIDURIA DUE TO VITAMIN B12-RELEASE DEFECT; VITAMIN B12 LYSOSOMAL RELEASE DEFECT; VITAMIN B12 STORAGE DISEASE; COBALAMIN F DISEASE; COBALAMIN, DEFECT IN LYSOSOMAL RELEASE OF. Identifiers: Orphanet 79284, MedGen C1848578, MONDO:0010183, OMIM 277380.
Inborn genetic diseases. Identifiers: MedGen C0950123, MeSH D030342.

Allele frequency attached by ClinVar (database versions not stated): gnomAD 0.00006 and 0.00009; gnomAD exomes 0.00007; TOPMed 0.00008; ExAC 0.00010; 1000 Genomes Project 30x 0.00016; 1000 Genomes Project 0.00020.
gnomAD v4.1: 138 of 1,545,808 alleles (0.0089%); highest among the groups gnomAD compares: South Asian, 0.023%; no homozygotes.

Submissions (5):

Blueprint Genetics
Classification: Uncertain significance. Last evaluated: 2024-05-22. Review status: criteria provided, single submitter. Criteria: ACMG Guidelines, 2015. Collection method: clinical testing. Allele origin: germline.

Ambry Genetics
Classification: Uncertain significance for Inborn genetic diseases. Last evaluated: 2022-03-31. Review status: criteria provided, single submitter. Criteria: Ambry Variant Classification Scheme 2023. Collection method: clinical testing. Allele origin: germline.
Comment: Occurs in the last base pair of the exon Based on insufficient or conflicting evidence, the clinical significance of this alteration remains unclear.

Labcorp Genetics (formerly Invitae), Labcorp
Classification: Uncertain significance for Methylmalonic aciduria and homocystinuria type cblF. Last evaluated: 2021-09-02. Review status: criteria provided, single submitter. Criteria: Invitae Variant Classification Sherloc (09022015). Collection method: clinical testing. Allele origin: germline.
Comment: This sequence change replaces histidine with tyrosine at codon 188 of the LMBRD1 protein (p.His188Tyr). The histidine residue is moderately conserved and there is a moderate physicochemical difference between histidine and tyrosine. This variant is present in population databases (rs554554993, ExAC 0.03%). This variant has not been reported in the literature in individuals affected with LMBRD1-related conditions. Algorithms developed to predict the effect of missense changes on protein structure and function are either unavailable or do not agree on the potential impact of this missense change (SIFT: "Deleterious"; PolyPhen-2: "Benign"; Align-GVGD: "Class C15"). Algorithms developed to predict the effect of sequence changes on RNA splicing suggest that this variant may disrupt the consensus splice site. In summary, the available evidence is currently insufficient to determine the role of this variant in disease. Therefore, it has been classified as a Variant of Uncertain Significance.

Revvity Omics, Revvity
Classification: Uncertain significance for Methylmalonic aciduria and homocystinuria type cblF. Last evaluated: 2021-06-02. Review status: criteria provided, single submitter. Criteria: ACMG Guidelines, 2015. Collection method: clinical testing. Allele origin: germline.

Illumina Laboratory Services, Illumina
Classification: Uncertain significance for Methylmalonic aciduria and homocystinuria type cblF. Last evaluated: 2018-01-12. Review status: criteria provided, single submitter. Criteria: ICSL Variant Classification Criteria 13 December 2019. Collection method: clinical testing. Allele origin: germline.